The following is an entry in ClinVar:

NM_000350.3(ABCA4):c.4634G>A (p.Ser1545Asn)

Gene: ABCA4 (ATP binding cassette subfamily A member 4; minus strand). Cytogenetic location: 1p22.1.
Variant type: single nucleotide variant.
Coding change: c.4634G>A on transcript NM_000350.3 (MANE Select); coding-DNA position 4634, G replaced by A.
Protein change: p.Ser1545Asn; replaces serine 1545 with asparagine.
Molecular consequence: missense variant.
Genome position (GRCh38, 1-based): chr1:94,024,954, C>T on the plus strand (G>A on the coding strand, the complement: ABCA4 is on the minus strand). VCF-style: chr1-94024954-C-T. GRCh37 (hg19) VCF-style: chr1-94490510-C-T.
Other names: c.4412G>A, p.Ser1471Asn (NM_001425324.1); short protein forms S1471N, S1545N.
Identifiers: ClinVar variation 4687400 (VCV004687400.2).

ClinVar aggregate classification (germline): Uncertain significance. Review status: criteria provided, multiple submitters, no conflicts (2 of 4 stars). 2 submissions from 2 submitters: Uncertain significance (2). Last evaluated 2025-10-09.

Submissions (2):

Women's Health and Genetics/Laboratory Corporation of America, LabCorp
Classification: Uncertain significance. Last evaluated: 2025-10-09. Review status: criteria provided, single submitter. Criteria: LabCorp Variant Classification Summary - May 2015. Collection method: clinical testing. Allele origin: germline.
Comment: Variant summary: ABCA4 c.4634G>A (p.Ser1545Asn) results in a conservative amino acid change in the encoded protein sequence. Algorithms developed to predict the effect of missense changes on protein structure and function are either unavailable or do not agree on the potential impact of this missense change. Several computational tools predict a significant impact on normal splicing: Four predict the variant weakens a 5' donor site. However, at least one experimental study showed this variant results in correctly spliced mRNA (Sangermano_2018). The variant was absent in 251452 control chromosomes (gnomAD). The available data on variant occurrences in the general population are insufficient to allow any conclusion about variant significance. c.4634G>A has been observed in individuals affected with ABCA4-Related Retinal Disease (Fujinami_2013, Lin_2024). These data do not allow any conclusion about variant significance. To our knowledge, no experimental evidence demonstrating an impact on protein function has been reported. The following publications have been ascertained in the context of this evaluation (PMID: 23982839, 38219857, 29162642). No submitters have cited clinical-significance assessments for this variant to ClinVar. Based on the evidence outlined above, the variant was classified as uncertain significance.

Blueprint Genetics
Classification: Uncertain significance. Last evaluated: 2023-08-02. Review status: criteria provided, single submitter. Criteria: ACMG Guidelines, 2015. Collection method: clinical testing. Allele origin: germline.

Literature cited by the submitters: PubMed 23982839 (cited by Women's Health and Genetics/Laboratory Corporation of America, LabCorp); PubMed 29162642 (cited by Women's Health and Genetics/Laboratory Corporation of America, LabCorp); PubMed 38219857 (cited by Women's Health and Genetics/Laboratory Corporation of America, LabCorp).